The following is an entry in ClinVar:

ClinVar aggregate classification (germline): Uncertain significance. Review status: criteria provided, multiple submitters, no conflicts (2 of 4 stars). 2 submissions from 2 submitters: Uncertain significance (2). Last evaluated 2026-07-08.

Conditions:
Inborn genetic diseases. Identifiers: MedGen C0950123, MeSH D030342.
Childhood-onset motor and cognitive regression syndrome with extrapyramidal movement disorder. Also called: NEURODEGENERATION, CHILDHOOD-ONSET, WITH BRAIN ATROPHY. Identifiers: Orphanet 500180, MedGen C4540086, MONDO:0044701, OMIM 617672.

Submissions (2):

Ambry Genetics
Classification: Uncertain significance for Inborn genetic diseases. Last evaluated: 2026-07-08. Review status: criteria provided, single submitter. Criteria: Ambry Variant Classification Scheme 2023. Collection method: clinical testing. Allele origin: germline.

ARUP Laboratories, Molecular Genetics and Genomics, ARUP Laboratories
Classification: Uncertain significance for Childhood-onset motor and cognitive regression syndrome with extrapyramidal movement disorder. Last evaluated: 2021-08-15. Review status: criteria provided, single submitter. Criteria: ARUP Molecular Germline Variant Investigation Process 2021. Collection method: clinical testing. Allele origin: germline.
Comment: The p.Pro135Ser variant, to our knowledge, has not been reported in the medical literature or gene specific databases. Based on the available information, the clinical significance of this variant is uncertain. References: Edvardson S et al. Heterozygous De Novo UBTF Gain-of-Function Variant Is Associated with Neurodegeneration in Childhood. Am J Hum Genet. 2017 Aug 3;101(2):267-273. PMID: 28777933 Toro C et al. A recurrent de novo missense mutation in UBTF causes developmental neuroregression. Hum Mol Genet. 2018 Feb 15;27(4):691-705. PMID: 29300972

NM_014233.4(UBTF):c.403C>T (p.Pro135Ser)

Genes: ATXN7L3-AS1 (ATXN7L3 antisense RNA 1; plus strand), UBTF (upstream binding transcription factor; minus strand). Cytogenetic location: 17q21.31.
Variant type: single nucleotide variant.
Coding change: c.403C>T on transcript NM_014233.4 (MANE Select); coding-DNA position 403, C replaced by T.
Protein change: p.Pro135Ser; replaces proline 135 with serine.
Molecular consequence: missense variant. On other transcripts: non-coding transcript variant (1).
Genome position (GRCh38, 1-based): chr17:44,215,725, G>A on the plus strand (C>T on the coding strand, the complement: UBTF is on the minus strand). VCF-style: chr17-44215725-G-A. GRCh37 (hg19) VCF-style: chr17-42293093-G-A.
Other names: c.403C>T, p.Pro135Ser (NM_001076683.2, NM_001076684.3); c.403C>T (NM_014233.3); short protein forms P135S.
Identifiers: ClinVar variation 1330567 (VCV001330567.8), dbSNP rs2144550110, ClinGen allele CA399767760.